The following is an entry in ClinVar:

NM_024741.3(ZNF408):c.374A>G (p.Gln125Arg)

Gene: ZNF408 (zinc finger protein 408; plus strand). Cytogenetic location: 11p11.2.
Variant type: single nucleotide variant.
Coding change: c.374A>G on transcript NM_024741.3 (MANE Select); coding-DNA position 374, A replaced by G.
Protein change: p.Gln125Arg; replaces glutamine 125 with arginine.
Molecular consequence: missense variant.
Genome position (GRCh38, 1-based): chr11:46,702,747, A>G. VCF-style: chr11-46702747-A-G. GRCh37 (hg19) VCF-style: chr11-46724297-A-G.
Other names: c.350A>G, p.Gln117Arg (NM_001184751.2); short protein forms Q125R, Q117R.
Identifiers: ClinVar variation 1972699 (VCV001972699.5), dbSNP rs772843233, ClinGen allele CA380252107.
Genomic context (GRCh38, chr11:46,702,747, plus strand): 5'-TTGTTGGTTTATTTCAGAACCTGTCATTAGGCCCATGGGGAGACGTGTGTGCCTGTGAGC[A>G]GAGTTCTGGCTGGACTAGGTAAGTCAGAGGAGAGTGTGTCGTTCCTTTGAGGTTTTCTGT-3'
Protein context (NP_079017.1, residues 115-135): GPWGDVCACE[Gln125Arg]SSGWTSLVQR

ClinVar aggregate classification (germline): Uncertain significance (1 of 4 stars; one submission).

Submission:

Labcorp Genetics (formerly Invitae), Labcorp
Classification: Uncertain significance. Last evaluated: 2022-03-17. Review status: criteria provided, single submitter. Criteria: Invitae Variant Classification Sherloc (09022015). Collection method: clinical testing. Allele origin: germline.
Comment: This sequence change replaces glutamine, which is neutral and polar, with arginine, which is basic and polar, at codon 125 of the ZNF408 protein (p.Gln125Arg). This variant is not present in population databases (gnomAD no frequency). This variant has not been reported in the literature in individuals affected with ZNF408-related conditions. Algorithms developed to predict the effect of missense changes on protein structure and function output the following: SIFT: "Tolerated"; PolyPhen-2: "Benign"; Align-GVGD: "Class C0". The arginine amino acid residue is found in multiple mammalian species, which suggests that this missense change does not adversely affect protein function. In summary, the available evidence is currently insufficient to determine the role of this variant in disease. Therefore, it has been classified as a Variant of Uncertain Significance.